The following is an entry in ClinVar:

NM_001353921.2(ARHGEF9):c.1506C>T (p.Thr502=)

Gene: ARHGEF9 (Cdc42 guanine nucleotide exchange factor 9; minus strand). Cytogenetic location: Xq11.1.
Variant type: single nucleotide variant.
Coding change: c.1506C>T on transcript NM_001353921.2 (MANE Select); coding-DNA position 1506, C replaced by T.
Protein change: p.Thr502=; no amino-acid change (threonine 502 retained).
Molecular consequence: synonymous variant. On other transcripts: 3 prime UTR variant (2).
Genome position (GRCh38, 1-based): chrX:63,638,094, G>A on the plus strand (C>T on the coding strand, the complement: ARHGEF9 is on the minus strand). VCF-style: chrX-63638094-G-A. GRCh37 (hg19) VCF-style: chrX-62857974-G-A.
Other names: c.1305C>T, p.Thr435= (NM_001353924.2, NM_001353926.2, NM_001369039.1 and 1 more transcripts); c.1290C>T, p.Thr430= (NM_001353927.2, NM_001369041.1); c.1353C>T, p.Thr451= (NM_001353928.2); c.1485C>T, p.Thr495= (NM_001369030.1, NM_001369031.1, NM_001369032.1 and 1 more transcripts); c.1422C>T, p.Thr474= (NM_001369033.1, NM_001369034.1, NM_001369035.1 and 4 more transcripts); c.1179C>T, p.Thr393= (NM_001369042.1, NM_001173480.2); c.*143C>T (NM_001369043.1, NM_001369044.1); c.939C>T, p.Thr313= (NM_001369045.1); and 3 more.
Identifiers: ClinVar variation 383699 (VCV000383699.3), dbSNP rs782129771, ClinGen allele CA10431792.

ClinVar aggregate classification (germline): Likely benign. Review status: criteria provided, multiple submitters, no conflicts (2 of 4 stars). 2 submissions from 2 submitters: Likely benign (2). Last evaluated 2024-10-05.

Conditions:
Developmental and epileptic encephalopathy, 8 (DEE8). Also called: HYPEREKPLEXIA AND EPILEPSY. Identifiers: Orphanet 163985, Orphanet 2076, MedGen C1845102, MONDO:0010375, OMIM 300607.

Allele frequency attached by ClinVar (database versions not stated): ExAC 0.00001; gnomAD exomes 0.00001.
gnomAD v4.1: 2 of 1,210,160 alleles (0.00017%); highest among the groups gnomAD compares: East Asian, 0.003%; no homozygotes.

Submissions (2):

Labcorp Genetics (formerly Invitae), Labcorp
Classification: Likely benign for Developmental and epileptic encephalopathy, 8. Last evaluated: 2024-10-05. Review status: criteria provided, single submitter. Criteria: Invitae Variant Classification Sherloc (09022015). Collection method: clinical testing. Allele origin: germline.

GeneDx
Classification: Likely benign. Last evaluated: 2016-02-15. Review status: criteria provided, single submitter. Criteria: GeneDx Variant Classification (06012015). Collection method: clinical testing. Allele origin: germline. Affected: yes.
Comment: This variant is considered likely benign or benign based on one or more of the following criteria: it is a conservative change, it occurs at a poorly conserved position in the protein, it is predicted to be benign by multiple in silico algorithms, and/or has population frequency not consistent with disease.